The following is an entry in ClinVar:

NM_006767.4(LZTR1):c.1228A>G (p.Asn410Asp)

Gene: LZTR1 (leucine zipper like post translational regulator 1; plus strand). Cytogenetic location: 22q11.21.
Variant type: single nucleotide variant.
Coding change: c.1228A>G on transcript NM_006767.4 (MANE Select); coding-DNA position 1228, A replaced by G.
Protein change: p.Asn410Asp; replaces asparagine 410 with aspartic acid.
Molecular consequence: missense variant.
Genome position (GRCh38, 1-based): chr22:20,992,872, A>G. VCF-style: chr22-20992872-A-G. GRCh37 (hg19) VCF-style: chr22-21347161-A-G.
Other names: short protein forms N410D.
Identifiers: ClinVar variation 4859359 (VCV004859359.1).
Genomic context (GRCh38, chr22:20,992,872, plus strand): 5'-TTCCACGCGGCTGCTGTCATCTCGGACGCCATGTACATCTTCGGGGGCACGGTGGACAAC[A>G]ACATCCGCAGCGGGGAGATGTACAGGTTCCAGGTGTGGGGCCTGTGGGCCTGTAGAGCCG-3'
Protein context (NP_006758.2, residues 400-420): MYIFGGTVDN[Asn410Asp]IRSGEMYRFQ

ClinVar aggregate classification (germline): Uncertain significance (1 of 4 stars; one submission).

Conditions:
Cardiovascular phenotype. Identifiers: MedGen CN230736.
Hereditary cancer-predisposing syndrome. Also called: Neoplastic Syndromes, Hereditary; Tumor predisposition; Hereditary Cancer Syndrome; Hereditary neoplastic syndrome. Identifiers: Orphanet 140162, MedGen C0027672, MeSH D009386, MONDO:0015356.

Submission:

Ambry Genetics
Classification: Uncertain significance for Cardiovascular phenotype; Hereditary cancer-predisposing syndrome. Last evaluated: 2026-03-18. Review status: criteria provided, single submitter. Criteria: Ambry Variant Classification Scheme 2023. Collection method: clinical testing. Allele origin: germline.
Comment: The p.N410D variant (also known as c.1228A>G), located in coding exon 11 of the LZTR1 gene, results from an A to G substitution at nucleotide position 1228. The asparagine at codon 410 is replaced by aspartic acid, an amino acid with highly similar properties. This amino acid position is conserved. In addition, this alteration is predicted to be tolerated by in silico analysis. Based on the available evidence, the clinical significance of this variant remains unclear.